The following is an entry in ClinVar:

ClinVar aggregate classification (germline): Uncertain significance (1 of 4 stars; one submission).

Submission:

GeneDx
Classification: Uncertain significance. Last evaluated: 2019-06-11. Review status: criteria provided, single submitter. Criteria: GeneDx Variant Classification Process June 2021. Collection method: clinical testing. Allele origin: germline. Affected: yes.
Comment: Not observed in large population cohorts (Lek et al., 2016); In silico analysis, which includes protein predictors and evolutionary conservation, supports a deleterious effect; Has not been previously published as pathogenic or benign to our knowledge

NM_003719.5(PDE8B):c.2236C>T (p.Pro746Ser)

Gene: PDE8B (phosphodiesterase 8B; plus strand). Cytogenetic location: 5q13.3.
Variant type: single nucleotide variant.
Coding change: c.2236C>T on transcript NM_003719.5 (MANE Select); coding-DNA position 2236, C replaced by T.
Protein change: p.Pro746Ser; replaces proline 746 with serine.
Molecular consequence: missense variant.
Genome position (GRCh38, 1-based): chr5:77,419,873, C>T. VCF-style: chr5-77419873-C-T. GRCh37 (hg19) VCF-style: chr5-76715698-C-T.
Other names: c.1945C>T, p.Pro649Ser (NM_001029851.4); c.2071C>T, p.Pro691Ser (NM_001029852.4); c.2176C>T, p.Pro726Ser (NM_001029853.4); c.2095C>T, p.Pro699Ser (NM_001029854.4); c.2233C>T, p.Pro745Ser (NM_001349748.3, NM_001349751.3); c.2299C>T, p.Pro767Ser (NM_001349749.3); c.1996C>T, p.Pro666Ser (NM_001349750.3); c.1930C>T, p.Pro644Ser (NM_001349752.3); and 12 more; short protein forms P525S, P528S, P548S, P597S, P598S, P618S, P622S, P625S.
Identifiers: ClinVar variation 1317024 (VCV001317024.2), dbSNP rs1796276996, ClinGen allele CA360183370.
Genomic context (GRCh38, chr5:77,419,873, plus strand): 5'-GCAACAGAGATGACAAAACACTTTGAACATGTGAATAAGTTTGTGAACAGCATCAACAAG[C>T]CAATGGCAGCTGAGGTGAGTACTGCTTTCCATGCCATAAGGCACATCCAAGTACATTTCC-3'
Protein context (NP_003710.1, residues 736-756): VNKFVNSINK[Pro746Ser]MAAEIEGSDC